The following is an entry in ClinVar:

ClinVar aggregate classification (germline): Uncertain significance. Review status: criteria provided, multiple submitters, no conflicts (2 of 4 stars). 4 submissions from 4 submitters: Uncertain significance (4). Last evaluated 2025-07-31.

Conditions:
Isolated focal cortical dysplasia type II (FCORD2). Also called: Focal cortical dysplasia type II; CORTICAL DYSPLASIA OF TAYLOR. Identifiers: Orphanet 268994, MedGen C1846385, MONDO:0011818, OMIM 607341, HP:0032051.
Hereditary cancer-predisposing syndrome. Also called: Hereditary neoplastic syndrome; Tumor predisposition; Neoplastic Syndromes, Hereditary; Hereditary Cancer Syndrome. Identifiers: Orphanet 140162, MedGen C0027672, MeSH D009386, MONDO:0015356.
Tuberous sclerosis 2 (TSC2). Identifiers: Orphanet 805, MedGen C1860707, MONDO:0013199, OMIM 613254.
Tuberous sclerosis syndrome (TSC). Also called: Tuberous Sclerosis Complex; Tuberous sclerosis. Identifiers: Orphanet 805, MedGen C0041341, MONDO:0001734.

Submissions (4):

Labcorp Genetics (formerly Invitae), Labcorp
Classification: Uncertain significance for Tuberous sclerosis 2. Last evaluated: 2025-07-31. Review status: criteria provided, single submitter. Criteria: Invitae Variant Classification Sherloc (09022015). Collection method: clinical testing. Allele origin: germline.
Comment: This sequence change replaces arginine, which is basic and polar, with glycine, which is neutral and non-polar, at codon 1289 of the TSC2 protein (p.Arg1289Gly). This variant is not present in population databases (gnomAD no frequency). This variant has not been reported in the literature in individuals affected with TSC2-related conditions. ClinVar contains an entry for this variant (Variation ID: 855361). Invitae Evidence Modeling of protein sequence and biophysical properties (such as structural, functional, and spatial information, amino acid conservation, physicochemical variation, residue mobility, and thermodynamic stability) indicates that this missense variant is not expected to disrupt TSC2 protein function with a negative predictive value of 95%. In summary, the available evidence is currently insufficient to determine the role of this variant in disease. Therefore, it has been classified as a Variant of Uncertain Significance.

Ambry Genetics
Classification: Uncertain significance for Hereditary cancer-predisposing syndrome. Last evaluated: 2024-04-20. Review status: criteria provided, single submitter. Criteria: Ambry Variant Classification Scheme 2023. Collection method: clinical testing. Allele origin: germline.
Comment: The p.R1289G variant (also known as c.3865A>G), located in coding exon 31 of the TSC2 gene, results from an A to G substitution at nucleotide position 3865. The arginine at codon 1289 is replaced by glycine, an amino acid with dissimilar properties. This amino acid position is conserved. In addition, this alteration is predicted to be deleterious by in silico analysis. Since supporting evidence is limited at this time, the clinical significance of this alteration remains unclear.

Baylor Genetics
Classification: Uncertain significance for Isolated focal cortical dysplasia type II. Last evaluated: 2023-12-21. Review status: criteria provided, single submitter. Criteria: ACMG Guidelines, 2015. Collection method: clinical testing. Allele origin: unknown.

All of Us Research Program, National Institutes of Health
Classification: Uncertain significance for Tuberous sclerosis syndrome. Last evaluated: 2023-10-06. Review status: criteria provided, single submitter. Criteria: ACMG Guidelines, 2015. Collection method: clinical testing. Allele origin: germline. Inheritance: Autosomal dominant inheritance. Observed: 1 variant allele, 1 heterozygote.
Comment: This missense variant replaces arginine with glycine at codon 1289 of the TSC2 protein. Computational prediction is inconclusive regarding the impact of this variant on protein structure and function (internally defined REVEL score threshold 0.5 < inconclusive < 0.7, PMID: 27666373). To our knowledge, functional studies have not been reported for this variant. This variant has not been reported in individuals affected with tuberous sclerosis complex in the literature. This variant has not been identified in the general population by the Genome Aggregation Database (gnomAD). The available evidence is insufficient to determine the role of this variant in disease conclusively. Therefore, this variant is classified as a Variant of Uncertain Significance.

This study involves interpretation of variants in research participants for the purpose of population health screening. Participant phenotype was not available at the time of variant classification. Additional details can be found in publication PMID: 35346344, PMCID: PMC8962531

NM_000548.5(TSC2):c.3865A>G (p.Arg1289Gly)

Gene: TSC2 (TSC complex subunit 2; plus strand). Cytogenetic location: 16p13.3.
Variant type: single nucleotide variant.
Coding change: c.3865A>G on transcript NM_000548.5 (MANE Select); coding-DNA position 3865, A replaced by G.
Protein change: p.Arg1289Gly; replaces arginine 1289 with glycine.
Molecular consequence: missense variant. On other transcripts: intron variant (6).
Genome position (GRCh38, 1-based): chr16:2,082,486, A>G. VCF-style: chr16-2082486-A-G. GRCh37 (hg19) VCF-style: chr16-2132487-A-G.
Other names: c.3133A>G, p.Arg1045Gly (NM_001318831.2); c.3733A>G, p.Arg1245Gly (NM_001370404.1); c.3736A>G, p.Arg1246Gly (NM_001370405.1, NM_021055.3); c.3814+688A>G (NM_001114382.3); c.3685+688A>G (NM_001363528.2); c.3682+688A>G (NM_001077183.3); c.3574+688A>G (NM_001318827.2); c.3538+688A>G (NM_001318829.2); and 1 more; short protein forms R1245G, R1289G, R1045G, R1246G.
Identifiers: ClinVar variation 855361 (VCV000855361.15), dbSNP rs2090265922, ClinGen allele CA394295107.